The following is an entry in ClinVar:

NM_021927.3(GUF1):c.1892G>A (p.Arg631Gln)

Gene: GUF1 (GTP binding elongation factor GUF1; plus strand). Cytogenetic location: 4p12.
Variant type: single nucleotide variant.
Coding change: c.1892G>A on transcript NM_021927.3 (MANE Select); coding-DNA position 1892, G replaced by A.
Protein change: p.Arg631Gln; replaces arginine 631 with glutamine.
Molecular consequence: missense variant.
Genome position (GRCh38, 1-based): chr4:44,698,563, G>A. VCF-style: chr4-44698563-G-A. GRCh37 (hg19) VCF-style: chr4-44700580-G-A.
Other names: c.920G>A, p.Arg307Gln (NM_001345867.2, NM_001345869.2); c.1772G>A, p.Arg591Gln (NM_001345868.2); short protein forms R591Q, R631Q, R307Q.
Identifiers: ClinVar variation 1445323 (VCV001445323.8), dbSNP rs559797399, ClinGen allele CA2905820.

ClinVar aggregate classification (germline): Uncertain significance (1 of 4 stars; one submission).

Allele frequency attached by ClinVar (database versions not stated): gnomAD 0.00005 and 0.00006; TOPMed 0.00005; gnomAD exomes 0.00007 and 0.00008; ExAC 0.00009; 1000 Genomes Project 30x 0.00016; 1000 Genomes Project 0.00020.
gnomAD v4.1: 124 of 1,597,348 alleles (0.0078%); highest among the groups gnomAD compares: South Asian, 0.053%; no homozygotes.

Submission:

Labcorp Genetics (formerly Invitae), Labcorp
Classification: Uncertain significance. Last evaluated: 2023-08-14. Review status: criteria provided, single submitter. Criteria: Invitae Variant Classification Sherloc (09022015). Collection method: clinical testing. Allele origin: germline.
Comment: In summary, the available evidence is currently insufficient to determine the role of this variant in disease. Therefore, it has been classified as a Variant of Uncertain Significance. An algorithm developed to predict the effect of missense changes on protein structure and function (PolyPhen-2) suggests that this variant is likely to be disruptive. ClinVar contains an entry for this variant (Variation ID: 1445323). This variant has not been reported in the literature in individuals affected with GUF1-related conditions. This variant is present in population databases (rs559797399, gnomAD 0.05%). This sequence change replaces arginine, which is basic and polar, with glutamine, which is neutral and polar, at codon 631 of the GUF1 protein (p.Arg631Gln).